The following is an entry in ClinVar:

ClinVar aggregate classification (germline): Uncertain significance (1 of 4 stars; one submission).

Conditions:
CREBBP-related disorder. Also called: CREBBP-related condition; CREBBP-related disorders.

Submission:

PreventionGenetics, part of Exact Sciences
Classification: Uncertain significance for CREBBP-related condition. Last evaluated: 2025-11-14. Review status: criteria provided, single submitter. Criteria: ACMG Guidelines, 2015. Collection method: clinical testing. Allele origin: germline.
Comment: The CREBBP c.7190A>C variant is predicted to result in the amino acid substitution p.Gln2397Pro. To our knowledge, this variant has not been reported in the literature or in a large population database (gnomAD), indicating this variant is rare. At this time, the clinical significance of this variant is uncertain due to the absence of conclusive functional and genetic evidence.

NM_004380.3(CREBBP):c.7190A>C (p.Gln2397Pro)

Gene: CREBBP (CREB binding lysine acetyltransferase; minus strand). Cytogenetic location: 16p13.3.
Variant type: single nucleotide variant.
Coding change: c.7190A>C on transcript NM_004380.3 (MANE Select); coding-DNA position 7190, A replaced by C.
Protein change: p.Gln2397Pro; replaces glutamine 2397 with proline.
Molecular consequence: missense variant.
Genome position (GRCh38, 1-based): chr16:3,727,857, T>G on the plus strand (A>C on the coding strand, the complement: CREBBP is on the minus strand). VCF-style: chr16-3727857-T-G. GRCh37 (hg19) VCF-style: chr16-3777858-T-G.
Other names: c.7076A>C, p.Gln2359Pro (NM_001079846.1); short protein forms Q2359P, Q2397P.
Identifiers: ClinVar variation 4993680 (VCV004993680.1).
Genomic context (GRCh38, chr16:3,727,857, plus strand): 5'-CTGCTGGGGGTGTTCAGCTGGGGGAGCATTGCACTCTGTTCGGGGTTCCCCAAGTGTCCC[T>G]GATCTATGGAGCTGGCCATGGTGACTGCGAGTCCGGGGTGGGGGGAACCAGTCTGGGGTG-3'
Protein context (NP_004371.2, residues 2387-2407): LAVTMASSID[Gln2397Pro]GHLGNPEQSA